The following is an entry in ClinVar:

ClinVar aggregate classification (germline): Uncertain significance (1 of 4 stars; one submission).

Submission:

Labcorp Genetics (formerly Invitae), Labcorp
Classification: Uncertain significance. Last evaluated: 2024-07-13. Review status: criteria provided, single submitter. Criteria: Invitae Variant Classification Sherloc (09022015). Collection method: clinical testing. Allele origin: germline.
Comment: This variant, c.373_375del, results in the deletion of 1 amino acid(s) of the MATN3 protein (p.Val125del), but otherwise preserves the integrity of the reading frame. This variant is not present in population databases (gnomAD no frequency). This variant has not been reported in the literature in individuals affected with MATN3-related conditions. Experimental studies and prediction algorithms are not available or were not evaluated, and the functional significance of this variant is currently unknown. In summary, the available evidence is currently insufficient to determine the role of this variant in disease. Therefore, it has been classified as a Variant of Uncertain Significance.

NM_002381.5(MATN3):c.370GTG[1] (p.Val125del)

Gene: MATN3 (matrilin 3; minus strand). Cytogenetic location: 2p24.1.
Variant type: Microsatellite.
Coding change: c.370GTG[1] on transcript NM_002381.5 (MANE Select); one copy of the 3-base unit GTG starting at c.370; the reference has two copies in a row; one copy, 3 bases deleted.
Protein change: p.Val125del; deletes valine 125.
Genome position (GRCh38, 1-based): chr2:20,006,159-20,006,161, CAC deleted on the plus strand (GTG on the coding strand, the reverse complement: MATN3 is on the minus strand); deleting any 3 consecutive bases within chr2:20,006,159-20,006,164 gives the same sequence; the position shown is the placement nearest the transcript's 3' end. VCF-style (leftmost placement, unchanged base first): chr2-20006158-TCAC-T. GRCh37 (hg19) VCF-style: chr2-20205919-TCAC-T.
Other names: short protein forms V125del.
Identifiers: ClinVar variation 3659449 (VCV003659449.2).
Genomic context (GRCh38, chr2:20,006,158, plus strand): 5'-GGGACTGCTTATCTGTGTAGGCCTGGAGTTGGAACTCGATCTTCACAGTGCTAGCATAGT[TCAC>T]CACTGCCACCCGCGTGTCGGCTGGCCCAATGTCCAGAGTGTCGATTATCCGGGAGACAAA-3'